The following is an entry in ClinVar:

ClinVar aggregate classification (germline): Likely pathogenic (0 of 4 stars; one submission).

Conditions:
von Willebrand disease type 1 (VWD1). Also called: VON WILLEBRAND DISEASE, TYPE I; VWD, TYPE 1. Identifiers: Orphanet 166078, Orphanet 903, MedGen C1264039, MONDO:0008668, OMIM 193400. Inheritance: autosomal recessive or autosomal dominant.

Submission:

Laboratory of Genetic Engineering, National Medical Research Center for Hematology
Classification: Likely pathogenic for von Willebrand disease type 1. Last evaluated: 2019-01-01. Review status: no assertion criteria provided. Collection method: research. Allele origin: unknown. Affected: yes. Observed: 1 heterozygote.
Comment: This likely pathogenic variant occurred in combination with p.Arg1399His CGC>CAC.

NM_000552.5(VWF):c.7580C>A (p.Pro2527His)

Gene: VWF (von Willebrand factor; minus strand). Cytogenetic location: 12p13.31.
Variant type: single nucleotide variant.
Coding change: c.7580C>A on transcript NM_000552.5 (MANE Select); coding-DNA position 7580, C replaced by A.
Protein change: p.Pro2527His; replaces proline 2527 with histidine.
Molecular consequence: missense variant.
Genome position (GRCh38, 1-based): chr12:5,969,360, G>T on the plus strand (C>A on the coding strand, the complement: VWF is on the minus strand). VCF-style: chr12-5969360-G-T. GRCh37 (hg19) VCF-style: chr12-6078526-G-T.
Other names: short protein forms P2527H.
Identifiers: ClinVar variation 981480 (VCV000981480.5), dbSNP rs1943442849, ClinGen allele CA383489517.
Genomic context (GRCh38, chr12:5,969,360, plus strand): 5'-ACGTTCCTTTGTTGTATAAAGACCTCCTCCTTCACTCGGACACACTCATTGATGAGGCAG[G>T]GGTTCTCCGGGGAGGCCCACTGGGAGCCGACCTGCAGGGCACCAGAGTTAGTCCAACAAG-3'
Protein context (NP_000543.3, residues 2517-2537): VGSQWASPEN[Pro2527His]CLINECVRVK